The following is an entry in ClinVar:

ClinVar aggregate classification (germline): Uncertain significance (1 of 4 stars; one submission).

gnomAD v4.1: 1 of 1,614,148 alleles (0.000062%); highest among the groups gnomAD compares: African/African-American, 0.0013%; no homozygotes.

Submission:

Labcorp Genetics (formerly Invitae), Labcorp
Classification: Uncertain significance. Last evaluated: 2024-10-29. Review status: criteria provided, single submitter. Criteria: Invitae Variant Classification Sherloc (09022015). Collection method: clinical testing. Allele origin: germline.
Comment: This sequence change replaces valine, which is neutral and non-polar, with methionine, which is neutral and non-polar, at codon 58 of the OAS1 protein (p.Val58Met). This variant is present in population databases (no rsID available, gnomAD 0.007%). This variant has not been reported in the literature in individuals affected with OAS1-related conditions. An algorithm developed to predict the effect of missense changes on protein structure and function (PolyPhen-2) suggests that this variant is likely to be disruptive. In summary, the available evidence is currently insufficient to determine the role of this variant in disease. Therefore, it has been classified as a Variant of Uncertain Significance.

NM_016816.4(OAS1):c.172G>A (p.Val58Met)

Genes: OAS1 (2'-5'-oligoadenylate synthetase 1; plus strand), LOC130008812 (ATAC-STARR-seq lymphoblastoid active region 7052; plus strand). Cytogenetic location: 12q24.13.
Variant type: single nucleotide variant.
Coding change: c.172G>A on transcript NM_016816.4 (MANE Select); coding-DNA position 172, G replaced by A.
Protein change: p.Val58Met; replaces valine 58 with methionine.
Molecular consequence: missense variant. On other transcripts: non-coding transcript variant (9).
Genome position (GRCh38, 1-based): chr12:112,907,211, G>A. VCF-style: chr12-112907211-G-A. GRCh37 (hg19) VCF-style: chr12-113345016-G-A.
Other names: c.172G>A, p.Val58Met (NM_001406025.1, NM_001406026.1, NM_001406027.1 and 10 more transcripts); short protein forms V58M.
Identifiers: ClinVar variation 3717762 (VCV003717762.2).
Genomic context (GRCh38, chr12:112,907,211, plus strand): 5'-TGTGGGTTCCTGAAGGAAAGGTGCTTCCGAGGTAGCTCCTACCCTGTGTGTGTGTCCAAG[G>A]TGGTAAAGGTGAGTCCAGGCCTGCCTGGCCAGGGGAGGGGTGGCTGAATGTGCAAGAGTT-3'
Protein context (NP_058132.2, residues 48-68): GSSYPVCVSK[Val58Met]VKGGSSGKGT